The following is an entry in ClinVar:

Conditions:
Breast-ovarian cancer, familial, susceptibility to, 1 (BROVCA1). Also called: BRCA1 Hereditary Breast and Ovarian Cancer; OVARIAN CANCER, SUSCEPTIBILITY TO. Identifiers: Orphanet 145, MedGen C2676676, MONDO:0011450, OMIM 604370. Disease mechanism: loss of function.

Submission:

Brotman Baty Institute, University of Washington
No classification provided (evidence only). Condition: Breast-ovarian cancer, familial 1. Review status: no classification provided. Collection method: in vitro. Allele origin: not applicable. Functional consequence: functionally_normal.
ClinVar note: "not provided" was previously submitted as the classification for the variant. However, the classification appeared to be based only on an observation of functional data so it was converted to no classification on 2025-07-30.

NM_007294.4(BRCA1):c.5443T>G (p.Trp1815Gly)

Gene: BRCA1 (BRCA1 DNA repair associated; minus strand). Cytogenetic location: 17q21.31.
Variant type: single nucleotide variant.
Coding change: c.5443T>G on transcript NM_007294.4 (MANE Select); coding-DNA position 5443, T replaced by G.
Protein change: p.Trp1815Gly; replaces tryptophan 1815 with glycine.
Molecular consequence: missense variant. On other transcripts: non-coding transcript variant (1).
Genome position (GRCh38, 1-based): chr17:43,047,667, A>C on the plus strand (T>G on the coding strand, the complement: BRCA1 is on the minus strand). VCF-style: chr17-43047667-A-C. GRCh37 (hg19) VCF-style: chr17-41199684-A-C.
Other names: c.5362T>G, p.Trp1788Gly (NM_001407658.1, NM_001407656.1, NM_001407657.1); c.5359T>G, p.Trp1787Gly (NM_001407659.1, NM_001407660.1, NM_001407661.1 and 2 more transcripts); c.5317T>G, p.Trp1773Gly (NM_001407673.1, NM_001407674.1, NM_001407675.1 and 8 more transcripts); c.5314T>G, p.Trp1772Gly (NM_001407681.1, NM_001407682.1, NM_001407683.1 and 6 more transcripts); c.5302T>G, p.Trp1768Gly (NM_001407692.1, NM_001407694.1, NM_001407695.1 and 12 more transcripts); c.5299T>G, p.Trp1767Gly (NM_001407737.1, NM_001407738.1, NM_001407739.1 and 18 more transcripts); c.5296T>G, p.Trp1766Gly (NM_001407842.1, NM_001407843.1, NM_001407844.1 and 12 more transcripts); c.5236T>G, p.Trp1746Gly (NM_001407874.1, NM_001407875.1); and 83 more; short protein forms L686R, W1768G, W711G, W1815G, W1836G, L1742R, L1743R, W1661G.
Identifiers: ClinVar variation 868498 (VCV000868498.3), dbSNP rs2050983659, ClinGen allele CA10590521.